The following is an entry in ClinVar:

NM_012193.4(FZD4):c.421G>C (p.Glu141Gln)

Genes: FZD4 (frizzled class receptor 4; minus strand), PRSS23 (serine protease 23; plus strand). Cytogenetic location: 11q14.2.
Variant type: single nucleotide variant.
Coding change: c.421G>C on transcript NM_012193.4 (MANE Select); coding-DNA position 421, G replaced by C.
Protein change: p.Glu141Gln; replaces glutamic acid 141 with glutamine.
Molecular consequence: missense variant. On other transcripts: non-coding transcript variant (2).
Genome position (GRCh38, 1-based): chr11:86,952,335, C>G on the plus strand (G>C on the coding strand, the complement: FZD4 is on the minus strand). VCF-style: chr11-86952335-C-G. GRCh37 (hg19) VCF-style: chr11-86663377-C-G.
Other names: c.421G>C (NM_012193.3); short protein forms E141Q.
Identifiers: ClinVar variation 1365627 (VCV001365627.9), dbSNP rs371704478, ClinGen allele CA6218457.
Genomic context (GRCh38, chr11:86,952,335, plus strand): 5'-CTTCCATGCACATGTGGTTGTGGTCGTTCTGTGGTGGGAATTTGCTGCAGTTCAGACTCT[C>G]TGGCCAGGCAAATCCAAATTCCTTCAGGACGGGTTCACAGCGTCTCTTGACTGAAAGACA-3'
Protein context (NP_036325.2, residues 131-151): VLKEFGFAWP[Glu141Gln]SLNCSKFPPQ

ClinVar aggregate classification (germline): Uncertain significance. Review status: criteria provided, multiple submitters, no conflicts (2 of 4 stars). 2 submissions from 2 submitters: Uncertain significance (2). Last evaluated 2025-11-05.

Conditions:
Inborn genetic diseases. Identifiers: MedGen C0950123, MeSH D030342.

Allele frequency attached by ClinVar (database versions not stated): gnomAD exomes below 0.00001; ExAC 0.00001; gnomAD 0.00006; TOPMed 0.00006; ESP Exome Variant Server 0.00008.
gnomAD v4.1: 13 of 1,614,112 alleles (0.00081%); highest among the groups gnomAD compares: African/African-American, 0.013%; no homozygotes.

Submissions (2):

Labcorp Genetics (formerly Invitae), Labcorp
Classification: Uncertain significance. Last evaluated: 2025-11-05. Review status: criteria provided, single submitter. Criteria: Invitae Variant Classification Sherloc (09022015). Collection method: clinical testing. Allele origin: germline.
Comment: This sequence change replaces glutamic acid, which is acidic and polar, with glutamine, which is neutral and polar, at codon 141 of the FZD4 protein (p.Glu141Gln). This variant is present in population databases (rs371704478, gnomAD 0.008%). This variant has not been reported in the literature in individuals affected with FZD4-related conditions. ClinVar contains an entry for this variant (Variation ID: 1365627). Invitae Evidence Modeling of protein sequence and biophysical properties (such as structural, functional, and spatial information, amino acid conservation, physicochemical variation, residue mobility, and thermodynamic stability) indicates that this missense variant is not expected to disrupt FZD4 protein function with a negative predictive value of 80%. In summary, the available evidence is currently insufficient to determine the role of this variant in disease. Therefore, it has been classified as a Variant of Uncertain Significance.

Ambry Genetics
Classification: Uncertain significance for Inborn genetic diseases. Last evaluated: 2021-11-22. Review status: criteria provided, single submitter. Criteria: Ambry Variant Classification Scheme 2023. Collection method: clinical testing. Allele origin: germline.